The following is an entry in ClinVar:

ClinVar aggregate classification (germline): Benign (1 of 4 stars; one submission).

Allele frequency attached by ClinVar (database versions not stated): gnomAD exomes 0.07250; ExAC 0.10818; ESP Exome Variant Server 0.14778; gnomAD 0.14953; TOPMed 0.16032; 1000 Genomes Project 30x 0.19144; 1000 Genomes Project 0.19169.
gnomAD v4.1: 129,750 of 1,608,704 alleles (8.1%); highest among the groups gnomAD compares: African/African-American, 35%; 9,200 homozygotes.

Submission:

Unidad de Genómica Garrahan, Hospital de Pediatría Garrahan
Classification: Benign. Last evaluated: 2024-01-24. Review status: criteria provided, single submitter. Criteria: ACMG Guidelines, 2015. Collection method: clinical testing. Allele origin: germline. Affected: no. Observed: 20 variant alleles.
Comment: This variant is classified as Benign based on local population frequency. This variant was detected in 21% of patients studied by a panel of primary immunodeficiencies. Number of patients: 20. Only high quality variants are reported.

NM_000234.3(LIG1):c.2005-29C>T

Gene: LIG1 (DNA ligase 1; minus strand). Cytogenetic location: 19q13.33.
Variant type: single nucleotide variant.
Coding change: c.2005-29C>T on transcript NM_000234.3 (MANE Select); 29 bases into the intron before coding-DNA position 2005, C replaced by T.
Molecular consequence: intron variant.
Genome position (GRCh38, 1-based): chr19:48,123,347, G>A on the plus strand (C>T on the coding strand, the complement: LIG1 is on the minus strand). VCF-style: chr19-48123347-G-A. GRCh37 (hg19) VCF-style: chr19-48626604-G-A.
Other names: c.1912-29C>T (NM_001289063.2); c.1915-29C>T (NM_001320971.2); c.1801-29C>T (NM_001289064.2); c.2002-29C>T (NM_001320970.2).
Identifiers: ClinVar variation 2688333 (VCV002688333.2), dbSNP rs3731007, ClinGen allele CA9546591.